The following is an entry in ClinVar:

ClinVar aggregate classification (germline): Benign (0 of 4 stars; one submission).

Conditions:
HIVEP3-related disorder. Also called: HIVEP3-related condition.

Allele frequency attached by ClinVar (database versions not stated): 1000 Genomes Project 0.00319; 1000 Genomes Project 30x 0.00359; gnomAD 0.00839; TOPMed 0.00870; ExAC 0.00871; ESP Exome Variant Server 0.00915.
gnomAD v4.1: 18,267 of 1,582,852 alleles (1.2%); highest among the groups gnomAD compares: Non-Finnish European, 1.3%; 142 homozygotes.

Submission:

PreventionGenetics, part of Exact Sciences
Classification: Benign for HIVEP3-related condition. Last evaluated: 2019-03-11. Review status: no assertion criteria provided. Collection method: clinical testing. Allele origin: germline.
Comment: This variant is classified as benign based on ACMG/AMP sequence variant interpretation guidelines (Richards et al. 2015 PMID: 25741868, with internal and published modifications).

NM_024503.5(HIVEP3):c.3978T>C (p.Asn1326=)

Gene: HIVEP3 (HIVEP zinc finger 3; minus strand). Cytogenetic location: 1p34.2.
Variant type: single nucleotide variant.
Coding change: c.3978T>C on transcript NM_024503.5 (MANE Select); coding-DNA position 3978, T replaced by C.
Protein change: p.Asn1326=; no amino-acid change (asparagine 1326 retained).
Molecular consequence: synonymous variant.
Genome position (GRCh38, 1-based): chr1:41,580,820, A>G on the plus strand (T>C on the coding strand, the complement: HIVEP3 is on the minus strand). VCF-style: chr1-41580820-A-G. GRCh37 (hg19) VCF-style: chr1-42046491-A-G.
Other names: c.3978T>C, p.Asn1326= (NM_001127714.3).
Identifiers: ClinVar variation 3041326 (VCV003041326.2), dbSNP rs35624100, ClinGen allele CA797771.